The following is an entry in ClinVar:

NM_144999.4(LRRC45):c.944C>T (p.Ser315Leu)

Gene: LRRC45 (leucine rich repeat containing 45; plus strand). Cytogenetic location: 17q25.3.
Variant type: single nucleotide variant.
Coding change: c.944C>T on transcript NM_144999.4 (MANE Select); coding-DNA position 944, C replaced by T.
Protein change: p.Ser315Leu; replaces serine 315 with leucine.
Molecular consequence: missense variant.
Genome position (GRCh38, 1-based): chr17:82,028,043, C>T. VCF-style: chr17-82028043-C-T. GRCh37 (hg19) VCF-style: chr17-79985919-C-T.
Other names: short protein forms S315L.
Identifiers: ClinVar variation 4978701 (VCV004978701.1).
Genomic context (GRCh38, chr17:82,028,043, plus strand): 5'-GCGGGGGTGCTGCCCCTCCTTTCTGCAGGCTGCAGATGACAGAGGCCGCCCTGGCTCTGT[C>T]GGAGCAGAAGGCCCAGGACCTGGGGGAGCTCCTGGCCACAGCGGAGCAGGAGCAGCTGAG-3'
Protein context (NP_659436.1, residues 305-325): LQMTEAALAL[Ser315Leu]EQKAQDLGEL

ClinVar aggregate classification (germline): Uncertain significance (1 of 4 stars; one submission).

Conditions:
LRRC45-related disorder. Also called: LRRC45-related condition.

gnomAD v4.1: 9 of 1,606,686 alleles (0.00056%); highest among the groups gnomAD compares: Admixed American, 0.0017%; no homozygotes.

Submission:

PreventionGenetics, part of Exact Sciences
Classification: Uncertain significance for LRRC45-related condition. Last evaluated: 2026-06-10. Review status: criteria provided, single submitter. Criteria: ACMG Guidelines, 2015. Collection method: clinical testing. Allele origin: germline.
Comment: The LRRC45 c.944C>T variant is predicted to result in the amino acid substitution p.Ser315Leu. To our knowledge, this variant has not been reported in the literature. This variant is reported in 0.0030% of alleles in individuals of Latino descent in gnomAD. At this time, the clinical significance of this variant is uncertain due to the absence of conclusive functional and genetic evidence.